The following is an entry in ClinVar:

NM_000094.4(COL7A1):c.7148G>C (p.Gly2383Ala)

Gene: COL7A1 (collagen type VII alpha 1 chain; minus strand). Cytogenetic location: 3p21.31.
Variant type: single nucleotide variant.
Coding change: c.7148G>C on transcript NM_000094.4 (MANE Select); coding-DNA position 7148, G replaced by C.
Protein change: p.Gly2383Ala; replaces glycine 2383 with alanine.
Molecular consequence: missense variant.
Genome position (GRCh38, 1-based): chr3:48,571,117, C>G on the plus strand (G>C on the coding strand, the complement: COL7A1 is on the minus strand). VCF-style: chr3-48571117-C-G. GRCh37 (hg19) VCF-style: chr3-48608550-C-G.
Other names: short protein forms G2383A.
Identifiers: ClinVar variation 2173554 (VCV002173554.1), dbSNP rs1342406671, ClinGen allele CA352650949.

ClinVar aggregate classification (germline): Uncertain significance (1 of 4 stars; one submission).

Allele frequency attached by ClinVar (database versions not stated): gnomAD exomes below 0.00001; gnomAD 0.00001.
gnomAD v4.1: 2 of 1,613,918 alleles (0.00012%); highest among the groups gnomAD compares: African/African-American, 0.0027%; no homozygotes.

Submission:

Labcorp Genetics (formerly Invitae), Labcorp
Classification: Uncertain significance. Last evaluated: 2022-03-28. Review status: criteria provided, single submitter. Criteria: Invitae Variant Classification Sherloc (09022015). Collection method: clinical testing. Allele origin: germline.
Comment: This sequence change replaces glycine, which is neutral and non-polar, with alanine, which is neutral and non-polar, at codon 2383 of the COL7A1 protein (p.Gly2383Ala). This variant is present in population databases (no rsID available, gnomAD 0.01%). This variant has not been reported in the literature in individuals affected with COL7A1-related conditions. Advanced modeling of protein sequence and biophysical properties (such as structural, functional, and spatial information, amino acid conservation, physicochemical variation, residue mobility, and thermodynamic stability) performed at Invitae indicates that this missense variant is expected to disrupt COL7A1 protein function. In summary, the available evidence is currently insufficient to determine the role of this variant in disease. Therefore, it has been classified as a Variant of Uncertain Significance.